The following is an entry in ClinVar:

NM_001352754.2(ARMC9):c.2439C>G (p.Ser813Arg)

Gene: ARMC9 (armadillo repeat containing 9; plus strand). Cytogenetic location: 2q37.1.
Variant type: single nucleotide variant.
Coding change: c.2439C>G on transcript NM_001352754.2 (MANE Select); coding-DNA position 2439, C replaced by G.
Protein change: p.Ser813Arg; replaces serine 813 with arginine.
Molecular consequence: missense variant.
Genome position (GRCh38, 1-based): chr2:231,371,517, C>G. VCF-style: chr2-231371517-C-G. GRCh37 (hg19) VCF-style: chr2-232236228-C-G.
Other names: c.2439C>G, p.Ser813Arg (NM_001271466.4); short protein forms S813R.
Identifiers: ClinVar variation 1064204 (VCV001064204.6), dbSNP rs769785205, ClinGen allele CA66864075.

ClinVar aggregate classification (germline): Uncertain significance. Review status: criteria provided, multiple submitters, no conflicts (2 of 4 stars). 2 submissions from 2 submitters: Uncertain significance (2). Last evaluated 2025-10-27.

Allele frequency attached by ClinVar (database versions not stated): gnomAD 0.00003; TOPMed 0.00004.
gnomAD v4.1: 79 of 1,238,340 alleles (0.0064%); highest among the groups gnomAD compares: Non-Finnish European, 0.0079%; no homozygotes.

Submissions (2):

Labcorp Genetics (formerly Invitae), Labcorp
Classification: Uncertain significance. Last evaluated: 2025-10-27. Review status: criteria provided, single submitter. Criteria: Invitae Variant Classification Sherloc (09022015). Collection method: clinical testing. Allele origin: germline.
Comment: This sequence change replaces serine, which is neutral and polar, with arginine, which is basic and polar, at codon 813 of the ARMC9 protein (p.Ser813Arg). This variant is not present in population databases (gnomAD no frequency). This variant has not been reported in the literature in individuals affected with ARMC9-related conditions. ClinVar contains an entry for this variant (Variation ID: 1064204). Experimental studies and prediction algorithms are not available or were not evaluated, and the functional significance of this variant is currently unknown. In summary, the available evidence is currently insufficient to determine the role of this variant in disease. Therefore, it has been classified as a Variant of Uncertain Significance.

Blueprint Genetics
Classification: Uncertain significance. Last evaluated: 2021-06-14. Review status: criteria provided, single submitter. Criteria: ACMG Guidelines, 2015. Collection method: clinical testing. Allele origin: germline.